The following is an entry in ClinVar:

ClinVar aggregate classification (germline): Pathogenic/Likely pathogenic. Review status: criteria provided, multiple submitters, no conflicts (2 of 4 stars). 5 submissions from 5 submitters: Pathogenic (2); Likely pathogenic (2). 1 of the submissions does not count toward it. Last evaluated 2025-04-08.

Conditions:
Methylmalonic aciduria due to methylmalonyl-CoA mutase deficiency (MAMM). Also called: Methylmalonic aciduria, mut type. Identifiers: Orphanet 27, MedGen C1855114, MONDO:0009612, OMIM 251000.
Methylmalonic aciduria due to complete methylmalonyl-CoA mutase deficiency.

Submissions (5):

Natera, Inc.
Classification: Likely pathogenic for Methylmalonic aciduria due to complete methylmalonyl-CoA mutase deficiency. Last evaluated: 2025-04-08. Review status: criteria provided, single submitter. Criteria: Natera Variant Classification Schema (03/2026). Collection method: clinical testing. Allele origin: germline.
Comment: The c.643G>T variant in MMUT is a missense variant predicted to cause substitution of glycine to cysteine at amino acid 215. This variant is rare in the general population with a frequency below the threshold expected for the associated phenotype(s). This variant has been observed in one or more individuals affected with the associated recessive disease, as either homozygous or compound heterozygous with a second variant (PMID: 16281286, 26270765). A different variant at the same position has been determined to be Pathogenic or Likely Pathogenic. Computational prediction algorithms indicate this variant is likely to affect gene or protein function. Given the available evidence, this variant is classified as Likely Pathogenic.

Labcorp Genetics (formerly Invitae), Labcorp
Classification: Pathogenic. Last evaluated: 2023-08-10. Review status: criteria provided, single submitter. Criteria: Invitae Variant Classification Sherloc (09022015). Collection method: clinical testing. Allele origin: germline.
Comment: For these reasons, this variant has been classified as Pathogenic. This variant disrupts the p.Gly215 amino acid residue in MUT. Other variant(s) that disrupt this residue have been determined to be pathogenic (PMID: 15643616, 16281286, 16451139). This suggests that this residue is clinically significant, and that variants that disrupt this residue are likely to be disease-causing. Advanced modeling of protein sequence and biophysical properties (such as structural, functional, and spatial information, amino acid conservation, physicochemical variation, residue mobility, and thermodynamic stability) performed at Invitae indicates that this missense variant is expected to disrupt MUT protein function. ClinVar contains an entry for this variant (Variation ID: 418341). This missense change has been observed in individual(s) with methylmalonic acidemia (PMID: 16281286, 26790480). This variant is not present in population databases (gnomAD no frequency). This sequence change replaces glycine, which is neutral and non-polar, with cysteine, which is neutral and slightly polar, at codon 215 of the MUT protein (p.Gly215Cys).

GeneDx
Classification: Likely pathogenic. Last evaluated: 2016-04-20. Review status: criteria provided, single submitter. Criteria: GeneDx Variant Classification (06012015). Collection method: clinical testing. Allele origin: germline. Affected: yes.
Comment: The G215C variant has been previously reported in two individuals with methylmalonic acidemia (MMA), one homozygous and one compound heterozygote (Worgan et al., 2006). The G215C variant is a non-conservative amino acid substitution, which is likely to impact secondary protein structure as these residues differ in polarity, charge, size and/or other properties. This substitution occurs at a position that is conserved across species. In silico analysis predicts this variant is probably damaging to the protein structure/function. Missense variants in nearby residues (Q218H, N219Y, and N219D) have been reported in the Human Gene Mutation Database in association with methylmalonic aciduria (Stenson et al., 2014), supporting the functional importance of this region of the protein. Therefore, this variant is likely pathogenic; however, the possibility that it is benign cannot be excluded. However, this result could also be seen if the patient had one allele with the G215C variant and one allele that was partially missing or refractory to amplification.

Neuberg Centre For Genomic Medicine, NCGM
Classification: Pathogenic for Methylmalonic aciduria due to methylmalonyl-CoA mutase deficiency. Review status: criteria provided, single submitter. Criteria: ACMG Guidelines, 2015. Collection method: clinical testing. Allele origin: germline. Inheritance: Autosomal recessive inheritance. Affected: yes.
Comment: The MMUT c.643G>T varianthas been observed to be homozygous as well as in combination with another MMUT variant in individuals affected with methylmalonic acidemia (Worgan et. al., 2006; Harrington et. al., 2016). Algorithms developed to predict the effect of missense changes on protein structure and function are either unavailable or do not agree on the potential impact of this missense change (SIFT: Deleterious; PolyPhen-2: Probably Damaging; AlignGVGD: Class C0). The p.Gly215Cys variant is novel (not in any individuals) in gnomAD Exomes and 1000 Genomes. This variant has been reported to the ClinVar database as Pathogenic/Likely Pathogenic. The amino acid change p.Gly215Cys in MMUT is predicted as conserved by GERP++ and PhyloP across 100 vertebrates. This variant disrupts the p.Gly215 amino acid residue in MMUT. Other variant(s) that disrupt this residue have been observed in individuals with MMUT-related conditions (Acquaviva et. al., 2005; Worgan et. al., 2006), suggesting that it is a clinically significant residue. As a result, variants that disrupt this residue are likely to be causative of disease. For these reasons, this variant has been classified as Pathogenic.

Counsyl
Classification: Likely pathogenic for Methylmalonic aciduria due to methylmalonyl-CoA mutase deficiency. Last evaluated: 2017-05-10. Review status: no assertion criteria provided. Collection method: clinical testing. Allele origin: unknown. Not counted in ClinVar's aggregate classification.

Literature cited by the submitters: PubMed 16281286 (cited by 3 submitters); PubMed 26270765 (cited by Natera, Inc. and Counsyl); PubMed 15643616 (cited by Labcorp Genetics (formerly Invitae), Labcorp); PubMed 16451139 (cited by Labcorp Genetics (formerly Invitae), Labcorp); PubMed 26790480 (cited by Labcorp Genetics (formerly Invitae), Labcorp).

NM_000255.4(MMUT):c.643G>T (p.Gly215Cys)

Gene: MMUT (methylmalonyl-CoA mutase; minus strand). Cytogenetic location: 6p12.3.
Variant type: single nucleotide variant.
Coding change: c.643G>T on transcript NM_000255.4 (MANE Select); coding-DNA position 643, G replaced by T.
Protein change: p.Gly215Cys; replaces glycine 215 with cysteine.
Molecular consequence: missense variant.
Genome position (GRCh38, 1-based): chr6:49,457,801, C>A on the plus strand (G>T on the coding strand, the complement: MMUT is on the minus strand). VCF-style: chr6-49457801-C-A. GRCh37 (hg19) VCF-style: chr6-49425514-C-A.
Other names: short protein forms G215C.
Identifiers: ClinVar variation 418341 (VCV000418341.13), dbSNP rs121918258, ClinGen allele CA16618294.